The following is an entry in ClinVar:

ClinVar aggregate classification (germline): Uncertain significance. Review status: criteria provided, multiple submitters, no conflicts (2 of 4 stars). 2 submissions from 2 submitters: Uncertain significance (2). Last evaluated 2024-01-16.

Conditions:
Inborn genetic diseases. Identifiers: MedGen C0950123, MeSH D030342.

gnomAD v4.1: 65 of 1,613,720 alleles (0.004%); highest among the groups gnomAD compares: Admixed American, 0.0083%; no homozygotes.

Submissions (2):

Ambry Genetics
Classification: Uncertain significance for Inborn genetic diseases. Last evaluated: 2024-01-16. Review status: criteria provided, single submitter. Criteria: Ambry Variant Classification Scheme 2023. Collection method: clinical testing. Allele origin: germline.

Labcorp Genetics (formerly Invitae), Labcorp
Classification: Uncertain significance. Last evaluated: 2022-07-02. Review status: criteria provided, single submitter. Criteria: Invitae Variant Classification Sherloc (09022015). Collection method: clinical testing. Allele origin: germline.
Comment: This sequence change replaces glutamic acid, which is acidic and polar, with glutamine, which is neutral and polar, at codon 2329 of the PCLO protein (p.Glu2329Gln). This variant is present in population databases (rs370403349, gnomAD 0.009%). This variant has not been reported in the literature in individuals affected with PCLO-related conditions. ClinVar contains an entry for this variant (Variation ID: 1450495). Algorithms developed to predict the effect of missense changes on protein structure and function are either unavailable or do not agree on the potential impact of this missense change (SIFT: "Tolerated"; PolyPhen-2: "Not Available"; Align-GVGD: "Class C0"). In summary, the available evidence is currently insufficient to determine the role of this variant in disease. Therefore, it has been classified as a Variant of Uncertain Significance.

NM_033026.6(PCLO):c.6985G>C (p.Glu2329Gln)

Gene: PCLO (piccolo presynaptic cytomatrix protein; minus strand). Cytogenetic location: 7q21.11.
Variant type: single nucleotide variant.
Coding change: c.6985G>C on transcript NM_033026.6 (MANE Select); coding-DNA position 6985, G replaced by C.
Protein change: p.Glu2329Gln; replaces glutamic acid 2329 with glutamine.
Molecular consequence: missense variant.
Genome position (GRCh38, 1-based): chr7:82,953,968, C>G on the plus strand (G>C on the coding strand, the complement: PCLO is on the minus strand). VCF-style: chr7-82953968-C-G. GRCh37 (hg19) VCF-style: chr7-82583284-C-G.
Other names: c.6985G>C, p.Glu2329Gln (NM_014510.3); c.6985G>C (NM_033026.5); short protein forms E2329Q.
Identifiers: ClinVar variation 1450495 (VCV001450495.6), dbSNP rs370403349, ClinGen allele CA4320377.